The following is an entry in ClinVar:

ClinVar aggregate classification (germline): Uncertain significance. Review status: criteria provided, multiple submitters, no conflicts (2 of 4 stars). 6 submissions from 6 submitters: Uncertain significance (5). 1 of the submissions does not count toward it. Last evaluated 2024-10-23.

Conditions:
Microcephaly, normal intelligence and immunodeficiency (NBS). Also called: IMMUNODEFICIENCY, MICROCEPHALY, AND CHROMOSOMAL INSTABILITY; SEEMANOVA SYNDROME II; Immunodeficiency, microcephaly with normal intelligence; Ataxia telangiectasia variant V1; Nijmegen breakage syndrome; Microcephaly with normal intelligence immunodeficiency and lymphoreticular malignancies. Identifiers: Orphanet 647, MedGen C0398791, MONDO:0009623, OMIM 251260.
Hereditary cancer-predisposing syndrome. Also called: Hereditary neoplastic syndrome; Neoplastic Syndromes, Hereditary; Tumor predisposition; Hereditary Cancer Syndrome. Identifiers: Orphanet 140162, MedGen C0027672, MeSH D009386, MONDO:0015356.

Allele frequency attached by ClinVar (database versions not stated): gnomAD exomes below 0.00001 and 0.00001.
gnomAD v4.1: 4 of 1,613,840 alleles (0.00025%); highest among the groups gnomAD compares: Admixed American, 0.0033%; no homozygotes.

Submissions (6):

Labcorp Genetics (formerly Invitae), Labcorp
Classification: Uncertain significance for Microcephaly, normal intelligence and immunodeficiency. Last evaluated: 2024-10-23. Review status: criteria provided, single submitter. Criteria: Invitae Variant Classification Sherloc (09022015). Collection method: clinical testing. Allele origin: germline.
Comment: This sequence change replaces asparagine, which is neutral and polar, with aspartic acid, which is acidic and polar, at codon 517 of the NBN protein (p.Asn517Asp). This variant is present in population databases (no rsID available, gnomAD 0.003%). This variant has not been reported in the literature in individuals affected with NBN-related conditions. ClinVar contains an entry for this variant (Variation ID: 411765). An algorithm developed to predict the effect of missense changes on protein structure and function (PolyPhen-2) suggests that this variant is likely to be tolerated. In summary, the available evidence is currently insufficient to determine the role of this variant in disease. Therefore, it has been classified as a Variant of Uncertain Significance.

Quest Diagnostics Nichols Institute San Juan Capistrano
Classification: Uncertain significance. Last evaluated: 2024-10-22. Review status: criteria provided, single submitter. Criteria: Quest Diagnostics criteria. Collection method: clinical testing. Allele origin: unknown.
Comment: The NBN c.1549A>G (p.Asn517Asp) variant has been identified in the published literature in a reportedly healthy individual (PMID: 31206626 (2019)). The frequency of this variant in the general population, 0.000008 (2/251076 chromosomes (Genome Aggregation Database)), is uninformative in the assessment of its pathogenicity. Analysis of this variant using bioinformatics tools for the prediction of the effect of amino acid changes on protein structure and function yielded predictions that this variant is benign. Based on the available information, we are unable to determine the clinical significance of this variant.

Ambry Genetics
Classification: Uncertain significance for Hereditary cancer-predisposing syndrome. Last evaluated: 2024-01-16. Review status: criteria provided, single submitter. Criteria: Ambry Variant Classification Scheme 2023. Collection method: clinical testing. Allele origin: germline.
Comment: The p.N517D variant (also known as c.1549A>G), located in coding exon 11 of the NBN gene, results from an A to G substitution at nucleotide position 1549. The asparagine at codon 517 is replaced by aspartic acid, an amino acid with highly similar properties. This amino acid position is conserved. In addition, this alteration is predicted to be tolerated by in silico analysis. Since supporting evidence is limited at this time, the clinical significance of this alteration remains unclear.

GeneDx
Classification: Uncertain significance. Last evaluated: 2022-04-21. Review status: criteria provided, single submitter. Criteria: GeneDx Variant Classification Process June 2021. Collection method: clinical testing. Allele origin: germline. Affected: yes.
Comment: Not observed at significant frequency in large population cohorts (gnomAD); In silico analysis supports that this missense variant does not alter protein structure/function; Has not been previously published as pathogenic or benign to our knowledge

Genome-Nilou Lab
Classification: Uncertain significance for Microcephaly, normal intelligence and immunodeficiency. Last evaluated: 2021-11-07. Review status: criteria provided, single submitter. Criteria: ACMG Guidelines, 2015. Collection method: clinical testing. Allele origin: germline. Affected: no.

Natera, Inc.
Classification: Uncertain significance for Nijmegen breakage syndrome. Last evaluated: 2021-05-19. Review status: no assertion criteria provided. Collection method: clinical testing. Allele origin: germline. Not counted in ClinVar's aggregate classification.

Literature cited by the submitters: PubMed 31206626 (cited by Quest Diagnostics Nichols Institute San Juan Capistrano).

NM_002485.5(NBN):c.1549A>G (p.Asn517Asp)

Gene: NBN (nibrin; minus strand). Cytogenetic location: 8q21.3.
Variant type: single nucleotide variant.
Coding change: c.1549A>G on transcript NM_002485.5 (MANE Select); coding-DNA position 1549, A replaced by G.
Protein change: p.Asn517Asp; replaces asparagine 517 with aspartic acid.
Molecular consequence: missense variant.
Genome position (GRCh38, 1-based): chr8:89,953,540, T>C on the plus strand (A>G on the coding strand, the complement: NBN is on the minus strand). VCF-style: chr8-89953540-T-C. GRCh37 (hg19) VCF-style: chr8-90965768-T-C.
Other names: c.1303A>G, p.Asn435Asp (NM_001024688.3); short protein forms N517D, N435D.
Identifiers: ClinVar variation 411765 (VCV000411765.24), dbSNP rs1040315184, ClinGen allele CA16612475.